The following is an entry in ClinVar:

NM_030665.4(RAI1):c.218_223dup (p.Ala74_Ala75insValAla)

Gene: RAI1 (retinoic acid induced 1; plus strand). Cytogenetic location: 17p11.2.
Variant type: Duplication.
Coding change: c.218_223dup on transcript NM_030665.4 (MANE Select); coding-DNA positions 218 to 223, 6 bases duplicated (TGGCCG; older notation c.218_223dupTGGCCG).
Protein change: p.Ala74_Ala75insValAla.
Genome position (GRCh38, 1-based): chr17:17,793,166-17,793,171, TGGCCG duplicated; duplicating any 6 consecutive bases within chr17:17,793,165-17,793,171 gives the same sequence; the c. name uses the placement nearest the transcript's 3' end. VCF-style (leftmost placement, unchanged base first): chr17-17793164-G-GGTGGCC. GRCh37 (hg19) VCF-style: chr17-17696478-G-GGTGGCC.
Identifiers: ClinVar variation 3722217 (VCV003722217.2).

ClinVar aggregate classification (germline): Uncertain significance (1 of 4 stars; one submission).

Submission:

Labcorp Genetics (formerly Invitae), Labcorp
Classification: Uncertain significance. Last evaluated: 2024-10-04. Review status: criteria provided, single submitter. Criteria: Invitae Variant Classification Sherloc (09022015). Collection method: clinical testing. Allele origin: germline.
Comment: This variant, c.218_223dup, results in the insertion of 2 amino acid(s) of the RAI1 protein (p.Val73_Ala74dup), but otherwise preserves the integrity of the reading frame. This variant is not present in population databases (gnomAD no frequency). This variant has not been reported in the literature in individuals affected with RAI1-related conditions. In summary, the available evidence is currently insufficient to determine the role of this variant in disease. Therefore, it has been classified as a Variant of Uncertain Significance.